The following is an entry in ClinVar:

ClinVar aggregate classification (germline): Benign. Review status: criteria provided, multiple submitters, no conflicts (2 of 4 stars). 3 submissions from 3 submitters: Benign (3). Last evaluated 2016-09-23.

Allele frequency attached by ClinVar (database versions not stated): ESP Exome Variant Server 0.03368; gnomAD 0.03588 and 0.04362; gnomAD exomes 0.03822 and 0.06045; 1000 Genomes Project 30x 0.11212; ExAC 0.06395; 1000 Genomes Project 0.11781; TOPMed 0.04283.
gnomAD v4.1: 62,940 of 1,614,118 alleles (3.9%); highest among the groups gnomAD compares: East Asian, 20%; 3,269 homozygotes.

Submissions (3):

GeneDx
Classification: Benign. Last evaluated: 2016-09-23. Review status: criteria provided, single submitter. Criteria: GeneDx Variant Classification (06012015). Collection method: clinical testing. Allele origin: germline. Affected: yes.
Comment: This variant is considered likely benign or benign based on one or more of the following criteria: it is a conservative change, it occurs at a poorly conserved position in the protein, it is predicted to be benign by multiple in silico algorithms, and/or has population frequency not consistent with disease.

Laboratory for Molecular Medicine, Mass General Brigham Personalized Medicine
Classification: Benign. Last evaluated: 2014-11-24. Review status: criteria provided, single submitter. Criteria: LMM Criteria. Collection method: clinical testing. Allele origin: germline. Observed: 41 variant alleles.
Comment: Ser190Ser in exon 2 of MURC: This variant is not expected to have clinical signi ficance because it does not alter an amino acid residue and is not located withi n the splice consensus sequence. It has been identified in 5.3% (235/4406) of Af rican American chromosomes from a broad population by the NHLBI Exome Sequencing Project (dbSNP rs28623148).

Breakthrough Genomics
Classification: Benign. Review status: criteria provided, single submitter. Criteria: ACMG Guidelines, 2015. Collection method: not provided. Allele origin: germline. Inheritance: Unknown mechanism. Affected: yes.

NM_001018116.2(CAVIN4):c.570A>T (p.Ser190=)

Gene: CAVIN4 (caveolae associated protein 4; plus strand). Cytogenetic location: 9q31.1.
Variant type: single nucleotide variant.
Coding change: c.570A>T on transcript NM_001018116.2 (MANE Select); coding-DNA position 570, A replaced by T.
Protein change: p.Ser190=; no amino-acid change (serine 190 retained).
Molecular consequence: synonymous variant.
Genome position (GRCh38, 1-based): chr9:100,585,926, A>T. VCF-style: chr9-100585926-A-T. GRCh37 (hg19) VCF-style: chr9-103348208-A-T.
Identifiers: ClinVar variation 226741 (VCV000226741.5), dbSNP rs28623148, ClinGen allele CA5160106.